The following is an entry in ClinVar:

ClinVar aggregate classification (germline): Uncertain significance (1 of 4 stars; one submission).

Conditions:
Developmental and epileptic encephalopathy, 25 (DEE25). Also called: Developmental and epileptic encephalopathy 25, with amelogenesis imperfecta; Epileptic encephalopathy, early infantile, 25, with amelogenesis imperfecta; Epileptic encephalopathy, early infantile, 25. Identifiers: Orphanet 442835, MedGen C4014621, MONDO:0014392, OMIM 615905.

Allele frequency attached by ClinVar (database versions not stated): gnomAD exomes below 0.00001.

Submission:

Labcorp Genetics (formerly Invitae), Labcorp
Classification: Uncertain significance for Developmental and epileptic encephalopathy, 25. Last evaluated: 2023-12-22. Review status: criteria provided, single submitter. Criteria: Invitae Variant Classification Sherloc (09022015). Collection method: clinical testing. Allele origin: germline.
Comment: This sequence change replaces glutamic acid, which is acidic and polar, with lysine, which is basic and polar, at codon 384 of the SLC13A5 protein (p.Glu384Lys). This variant is present in population databases (no rsID available, gnomAD 0.0009%). This variant has not been reported in the literature in individuals affected with SLC13A5-related conditions. ClinVar contains an entry for this variant (Variation ID: 963492). Algorithms developed to predict the effect of missense changes on protein structure and function output the following: SIFT: "Not Available"; PolyPhen-2: "Benign"; Align-GVGD: "Not Available". The lysine amino acid residue is found in multiple mammalian species, which suggests that this missense change does not adversely affect protein function. In summary, the available evidence is currently insufficient to determine the role of this variant in disease. Therefore, it has been classified as a Variant of Uncertain Significance.

NM_177550.5(SLC13A5):c.1150G>A (p.Glu384Lys)

Gene: SLC13A5 (solute carrier family 13 member 5; minus strand). Cytogenetic location: 17p13.1.
Variant type: single nucleotide variant.
Coding change: c.1150G>A on transcript NM_177550.5 (MANE Select); coding-DNA position 1150, G replaced by A.
Protein change: p.Glu384Lys; replaces glutamic acid 384 with lysine.
Molecular consequence: missense variant.
Genome position (GRCh38, 1-based): chr17:6,694,103, C>T on the plus strand (G>A on the coding strand, the complement: SLC13A5 is on the minus strand). VCF-style: chr17-6694103-C-T. GRCh37 (hg19) VCF-style: chr17-6597422-C-T.
Other names: c.1150G>A, p.Glu384Lys (NM_001143838.3); c.1099G>A, p.Glu367Lys (NM_001284509.2); c.1021G>A, p.Glu341Lys (NM_001284510.2); short protein forms E341K, E367K, E384K.
Identifiers: ClinVar variation 963492 (VCV000963492.10), dbSNP rs1461948332, ClinGen allele CA397742407.
Genomic context (GRCh38, chr17:6,694,103, plus strand): 5'-TTTGGTTCCAGGGCTCCAGTCCTGATGACTGGGCGATCAGAACAGGAGACTTACCTTCCT[C>T]AGTCTGGCTGCGGAAGTTAAACTTGGGCTTCTGTGAAGGCACAATGAATAGCAGGGTGGC-3'
Protein context (NP_808218.1, residues 374-394): KPKFNFRSQT[Glu384Lys]EERKTPFYPP